The following is an entry in ClinVar:

ClinVar aggregate classification (germline): Uncertain significance (1 of 4 stars; one submission).

Conditions:
Thrombophilia due to protein C deficiency, autosomal dominant. Also called: PROC DEFICIENCY, AUTOSOMAL DOMINANT; PROTEIN C DEFICIENCY, AUTOSOMAL DOMINANT. Identifiers: Orphanet 745, MedGen C2674321, MONDO:0008316, OMIM 176860. Disease mechanism: loss of function.

gnomAD v4.1: 4 of 1,613,886 alleles (0.00025%); highest among the groups gnomAD compares: Admixed American, 0.0017%; no homozygotes.

Submission:

Labcorp Genetics (formerly Invitae), Labcorp
Classification: Uncertain significance for Thrombophilia due to protein C deficiency, autosomal dominant. Last evaluated: 2025-08-24. Review status: criteria provided, single submitter. Criteria: Invitae Variant Classification Sherloc (09022015). Collection method: clinical testing. Allele origin: germline.
Comment: This sequence change replaces arginine, which is basic and polar, with glutamine, which is neutral and polar, at codon 271 of the PROC protein (p.Arg271Gln). This variant is present in population databases (no rsID available, gnomAD 0.0009%). This missense change has been observed in individual(s) with hereditary protein C deficiency and/or suspected protein C deficiency (PMID: 8324221, 32717757). It has also been observed to segregate with disease in related individuals. Invitae Evidence Modeling of protein sequence and biophysical properties (such as structural, functional, and spatial information, amino acid conservation, physicochemical variation, residue mobility, and thermodynamic stability) has been performed for this missense variant. However, the output from this modeling did not meet the statistical confidence thresholds required to predict the impact of this variant on PROC protein function. This variant disrupts the p.Arg271 amino acid residue in PROC. Other variant(s) that disrupt this residue have been determined to be pathogenic (PMID: 7482420, 18954896, 27172833, 28111891; internal data). This suggests that this residue is clinically significant, and that variants that disrupt this residue are likely to be disease-causing. In summary, the available evidence is currently insufficient to determine the role of this variant in disease. Therefore, it has been classified as a Variant of Uncertain Significance.

Literature cited by the submitters: PubMed 8324221; PubMed 32717757; PubMed 7482420; PubMed 18954896; PubMed 27172833; PubMed 28111891.

NM_000312.4(PROC):c.812G>A (p.Arg271Gln)

Gene: PROC (protein C, inactivator of coagulation factors Va and VIIIa; plus strand). Cytogenetic location: 2q14.3.
Variant type: single nucleotide variant.
Coding change: c.812G>A on transcript NM_000312.4 (MANE Select); coding-DNA position 812, G replaced by A.
Protein change: p.Arg271Gln; replaces arginine 271 with glutamine.
Molecular consequence: missense variant.
Genome position (GRCh38, 1-based): chr2:127,428,372, G>A. VCF-style: chr2-127428372-G-A. GRCh37 (hg19) VCF-style: chr2-128185948-G-A.
Other names: c.995G>A, p.Arg332Gln (NM_001375602.1); c.977G>A, p.Arg326Gln (NM_001375603.1); c.875G>A, p.Arg292Gln (NM_001375604.1); c.914G>A, p.Arg305Gln (NM_001375605.1); c.980G>A, p.Arg327Gln (NM_001375606.1); c.998G>A, p.Arg333Gln (NM_001375607.1); c.755G>A, p.Arg252Gln (NM_001375608.1); c.788G>A, p.Arg263Gln (NM_001375609.1); and 2 more; short protein forms R292Q, R333Q, R263Q, R269Q, R327Q, R332Q, R252Q, R305Q.
Identifiers: ClinVar variation 4708195 (VCV004708195.1).